The following is an entry in ClinVar:

ClinVar aggregate classification (germline): Pathogenic/Likely pathogenic. Review status: criteria provided, multiple submitters, no conflicts (2 of 4 stars). 3 submissions from 3 submitters: Pathogenic (1); Likely pathogenic (1). 1 of the submissions does not count toward it. Last evaluated 2025-10-21.

Conditions:
ABCA4-related disorder. Also called: ABCA4-related disorders; ABCA4-related condition. Identifiers: MedGen CN239167.
Cone-rod dystrophy. Also called: Cone-rod degeneration; Cone/cone-rod dystrophy. Identifiers: Orphanet 1872, MedGen C4085590, MONDO:0015993, HP:0000548.

Submissions (3):

Labcorp Genetics (formerly Invitae), Labcorp
Classification: Pathogenic. Last evaluated: 2025-10-21. Review status: criteria provided, single submitter. Criteria: Invitae Variant Classification Sherloc (09022015). Collection method: clinical testing. Allele origin: germline.
Comment: This variant, c.5528_5533del, results in the deletion of 2 amino acid(s) of the ABCA4 protein (p.Arg1843_Gly1844del), but otherwise preserves the integrity of the reading frame. This variant is not present in population databases (gnomAD no frequency). This variant has been observed in individuals with ABCA4-related conditions (PMID: 22229821, 30718709). ClinVar contains an entry for this variant (Variation ID: 635987). This variant disrupts a region of the ABCA4 protein in which other variant(s) (p.Gly1844Cys) have been determined to be pathogenic (PMID: 23755871, 25097154; internal data). This suggests that this is a clinically significant region of the protein, and that variants that disrupt it are likely to be disease-causing. For these reasons, this variant has been classified as Pathogenic.

Blueprint Genetics
Classification: Likely pathogenic for ABCA4-related disorders. Last evaluated: 2021-07-12. Review status: criteria provided, single submitter. Criteria: ACMG Guidelines, 2015. Collection method: clinical testing. Allele origin: germline. Affected: yes. Observed: 2 variant alleles.

Department of Clinical Genetics, Copenhagen University Hospital, Rigshospitalet
Classification: Likely pathogenic for Cone-rod dystrophy. Last evaluated: 2018-04-01. Review status: no assertion criteria provided. Collection method: research. Allele origin: unknown. Affected: yes. Study: VeluxRD. Not counted in ClinVar's aggregate classification.

Literature cited by the submitters: PubMed 22229821 (cited by Labcorp Genetics (formerly Invitae), Labcorp); PubMed 30718709 (cited by Labcorp Genetics (formerly Invitae), Labcorp and Department of Clinical Genetics, Copenhagen University Hospital, Rigshospitalet); PubMed 23755871 (cited by Labcorp Genetics (formerly Invitae), Labcorp); PubMed 25097154 (cited by Labcorp Genetics (formerly Invitae), Labcorp).

NM_000350.3(ABCA4):c.5528_5533del (p.Arg1843_Gly1844del)

Gene: ABCA4 (ATP binding cassette subfamily A member 4; minus strand). Cytogenetic location: 1p22.1.
Variant type: Deletion.
Coding change: c.5528_5533del on transcript NM_000350.3 (MANE Select); coding-DNA positions 5528 to 5533, 6 bases deleted (GGGGCC; older notation c.5528_5533delGGGGCC).
Protein change: p.Arg1843_Gly1844del.
Molecular consequence: inframe deletion. On other transcripts: inframe indel (1).
Genome position (GRCh38, 1-based): chr1:94,011,313-94,011,318, GGCCCC deleted on the plus strand (GGGGCC on the coding strand, the reverse complement: ABCA4 is on the minus strand); deleting any 6 consecutive bases within chr1:94,011,313-94,011,323 gives the same sequence; the c. name uses the placement nearest the transcript's 3' end. VCF-style (leftmost placement, unchanged base first): chr1-94011312-AGGCCCC-A. GRCh37 (hg19) VCF-style: chr1-94476868-AGGCCCC-A.
Other names: c.5301_5306delGGGCCG, p.Arg1769_Gly1770del (NM_001425324.1).
Identifiers: ClinVar variation 635987 (VCV000635987.6), dbSNP rs1571250020, ClinGen allele CA645372214.